The following is an entry in ClinVar:

ClinVar aggregate classification (germline): Benign. Review status: criteria provided, single submitter (1 of 4 stars). 2 submissions from 2 submitters: Benign (1). 1 of the submissions does not count toward it. Last evaluated 2025-05-30.

Conditions:
Aniridia 1 (AN1). Identifiers: Orphanet 250923, MedGen C0344542, MONDO:0024507, OMIM 106210.
Irido-corneo-trabecular dysgenesis (ASGD5). Also called: ANTERIOR SEGMENT DYSGENESIS 5. Identifiers: Orphanet 708, MedGen C0344559, MONDO:0011414, OMIM 604229, HP:0000659.
PAX6-related disorder. Also called: PAX6-related disorders; PAX6-related condition.

Allele frequency attached by ClinVar (database versions not stated): gnomAD 0.00003 and 0.00005; TOPMed 0.00008; gnomAD exomes 0.00011 and 0.00014; ExAC 0.00014.
gnomAD v4.1: 185 of 1,613,888 alleles (0.011%); highest among the groups gnomAD compares: East Asian, 0.098%; no homozygotes.

Submissions (2):

Labcorp Genetics (formerly Invitae), Labcorp
Classification: Benign for Aniridia 1; Irido-corneo-trabecular dysgenesis. Last evaluated: 2025-05-30. Review status: criteria provided, single submitter. Criteria: Invitae Variant Classification Sherloc (09022015). Collection method: clinical testing. Allele origin: germline.

PreventionGenetics, part of Exact Sciences
Classification: Likely benign for PAX6-related condition. Last evaluated: 2019-07-03. Review status: no assertion criteria provided. Collection method: clinical testing. Allele origin: germline. Not counted in ClinVar's aggregate classification.
Comment: This variant is classified as likely benign based on ACMG/AMP sequence variant interpretation guidelines (Richards et al. 2015 PMID: 25741868, with internal and published modifications).

NM_001368894.2(PAX6):c.959-7C>T

Gene: PAX6 (paired box 6; minus strand). Cytogenetic location: 11p13.
Variant type: single nucleotide variant.
Coding change: c.959-7C>T on transcript NM_001368894.2 (MANE Select); 7 bases into the intron before coding-DNA position 959, C replaced by T.
Molecular consequence: intron variant.
Genome position (GRCh38, 1-based): chr11:31,793,560, G>A on the plus strand (C>T on the coding strand, the complement: PAX6 is on the minus strand). VCF-style: chr11-31793560-G-A. GRCh37 (hg19) VCF-style: chr11-31815108-G-A.
Other names: c.959-7C>T (NM_001604.5, NM_001258462.3, NM_001310158.2 and 7 more transcripts); c.917-7C>T (NM_001127612.3, NM_001368890.2, NM_001368888.2 and 10 more transcripts); c.758-7C>T (NM_001368921.2, NM_001368923.2, NM_001368926.2 and 4 more transcripts); c.1034-7C>T (NM_001368919.2, NM_001368918.2); c.1160-7C>T (NM_001368910.2); c.509-7C>T (NM_001368909.2, NM_001368904.2, NM_001368905.2 and 11 more transcripts); c.962-7C>T (NM_001368911.2); c.716-7C>T (NM_001368928.2); and 2 more.
Identifiers: ClinVar variation 1168979 (VCV001168979.11), dbSNP rs750093295, ClinGen allele CA5933761.